The following is an entry in ClinVar:

NM_080680.3(COL11A2):c.3960+5G>A

Gene: COL11A2 (collagen type XI alpha 2 chain; minus strand). Cytogenetic location: 6p21.32.
Variant type: single nucleotide variant.
Coding change: c.3960+5G>A on transcript NM_080680.3 (MANE Select); 5 bases into the intron after coding-DNA position 3960, G replaced by A.
Molecular consequence: intron variant.
Genome position (GRCh38, 1-based): chr6:33,168,514, C>T on the plus strand (G>A on the coding strand, the complement: COL11A2 is on the minus strand). VCF-style: chr6-33168514-C-T. GRCh37 (hg19) VCF-style: chr6-33136291-C-T.
Other names: c.3639+5G>A (NM_080679.3); c.3702+5G>A (NM_080681.3).
Identifiers: ClinVar variation 1677531 (VCV001677531.8), dbSNP rs1253796267, ClinGen allele CA824034274.

ClinVar aggregate classification (germline): Uncertain significance. Review status: criteria provided, multiple submitters, no conflicts (2 of 4 stars). 4 submissions from 4 submitters: Uncertain significance (4). Last evaluated 2024-12-10.

Allele frequency attached by ClinVar (database versions not stated): gnomAD 0.00001; TOPMed 0.00001; gnomAD exomes 0.00002.
gnomAD v4.1: 36 of 1,613,400 alleles (0.0022%); highest among the groups gnomAD compares: Non-Finnish European, 0.003%; no homozygotes.

Submissions (4):

Labcorp Genetics (formerly Invitae), Labcorp
Classification: Uncertain significance. Last evaluated: 2024-12-10. Review status: criteria provided, single submitter. Criteria: Invitae Variant Classification Sherloc (09022015). Collection method: clinical testing. Allele origin: germline.
Comment: This sequence change falls in intron 54 of the COL11A2 gene. It does not directly change the encoded amino acid sequence of the COL11A2 protein. It affects a nucleotide within the consensus splice site. This variant is not present in population databases (gnomAD no frequency). This variant has not been reported in the literature in individuals affected with COL11A2-related conditions. ClinVar contains an entry for this variant (Variation ID: 1677531). Variants that disrupt the consensus splice site are a relatively common cause of aberrant splicing (PMID: 17576681, 9536098). Algorithms developed to predict the effect of sequence changes on RNA splicing suggest that this variant may disrupt the consensus splice site. In summary, the available evidence is currently insufficient to determine the role of this variant in disease. Therefore, it has been classified as a Variant of Uncertain Significance.

GeneDx
Classification: Uncertain significance. Last evaluated: 2023-03-29. Review status: criteria provided, single submitter. Criteria: GeneDx Variant Classification Process June 2021. Collection method: clinical testing. Allele origin: germline. Affected: yes.
Comment: Intronic +5 splice site variant in a gene for which loss of function is a known mechanism of disease, and both splice predictors and evolutionary conservation support a deleterious effect, although in the absence of functional evidence the actual effect of this sequence change is unknown.; Not observed at significant frequency in large population cohorts (gnomAD); Has not been previously published as pathogenic or benign to our knowledge

Blueprint Genetics
Classification: Uncertain significance. Last evaluated: 2021-11-24. Review status: criteria provided, single submitter. Criteria: ACMG Guidelines, 2015. Collection method: clinical testing. Allele origin: germline.

AiLife Diagnostics
Classification: Uncertain significance. Last evaluated: 2021-10-10. Review status: criteria provided, single submitter. Criteria: ACMG Guidelines, 2015. Collection method: clinical testing. Allele origin: germline. Affected: yes. Observed: 1 variant allele.

Literature cited by the submitters: PubMed 17576681 (cited by Labcorp Genetics (formerly Invitae), Labcorp); PubMed 9536098 (cited by Labcorp Genetics (formerly Invitae), Labcorp).